The following is an entry in ClinVar:

ClinVar aggregate classification (germline): Uncertain significance (1 of 4 stars; one submission).

Conditions:
VAV1-related disorder. Also called: VAV1-related condition.

gnomAD v4.1: 15 of 1,614,102 alleles (0.00093%); highest among the groups gnomAD compares: Admixed American, 0.0017%; no homozygotes.

Submission:

PreventionGenetics, part of Exact Sciences
Classification: Uncertain significance for VAV1-related condition. Last evaluated: 2024-10-25. Review status: criteria provided, single submitter. Criteria: ACMG Guidelines, 2015. Collection method: clinical testing. Allele origin: germline.
Comment: The VAV1 c.1423G>C variant is predicted to result in the amino acid substitution p.Glu475Gln. To our knowledge, this variant has not been reported in the literature. This variant is reported in 0.0029% of alleles in individuals of Latino descent in gnomAD. At this time, the clinical significance of this variant is uncertain due to the absence of conclusive functional and genetic evidence.

NM_005428.4(VAV1):c.1423G>C (p.Glu475Gln)

Gene: VAV1 (vav guanine nucleotide exchange factor 1; plus strand). Cytogenetic location: 19p13.3.
Variant type: single nucleotide variant.
Coding change: c.1423G>C on transcript NM_005428.4 (MANE Select); coding-DNA position 1423, G replaced by C.
Protein change: p.Glu475Gln; replaces glutamic acid 475 with glutamine.
Molecular consequence: missense variant.
Genome position (GRCh38, 1-based): chr19:6,832,115, G>C. VCF-style: chr19-6832115-G-C. GRCh37 (hg19) VCF-style: chr19-6832126-G-C.
Other names: c.1423G>C, p.Glu475Gln (NM_001258206.2); c.1327G>C, p.Glu443Gln (NM_001258207.2); short protein forms E443Q, E475Q.
Identifiers: ClinVar variation 4988609 (VCV004988609.1).